The following is an entry in ClinVar:

ClinVar aggregate classification (germline): Uncertain significance (1 of 4 stars; one submission).

Submission:

GeneDx
Classification: Uncertain significance. Last evaluated: 2025-06-27. Review status: criteria provided, single submitter. Criteria: GeneDx Variant Classification Process June 2021. Collection method: clinical testing. Allele origin: germline. Affected: yes.
Comment: Not observed at significant frequency in large population cohorts (gnomAD); In silico analysis supports that this missense variant has a deleterious effect on protein structure/function; Has not been previously published as pathogenic or benign to our knowledge

NM_000532.5(PCCB):c.136G>C (p.Ala46Pro)

Gene: PCCB (propionyl-CoA carboxylase subunit beta; plus strand). Cytogenetic location: 3q22.3.
Variant type: single nucleotide variant.
Coding change: c.136G>C on transcript NM_000532.5 (MANE Select); coding-DNA position 136, G replaced by C.
Protein change: p.Ala46Pro; replaces alanine 46 with proline.
Molecular consequence: missense variant.
Genome position (GRCh38, 1-based): chr3:136,250,511, G>C. VCF-style: chr3-136250511-G-C. GRCh37 (hg19) VCF-style: chr3-135969353-G-C.
Other names: c.136G>C, p.Ala46Pro (NM_001178014.2); short protein forms A46P.
Identifiers: ClinVar variation 4539841 (VCV004539841.1).